The following is an entry in ClinVar:

NM_000291.4(PGK1):c.77A>G (p.Asn26Ser)

Gene: PGK1 (phosphoglycerate kinase 1; plus strand). Cytogenetic location: Xq21.1.
Variant type: single nucleotide variant.
Coding change: c.77A>G on transcript NM_000291.4 (MANE Select); coding-DNA position 77, A replaced by G.
Protein change: p.Asn26Ser; replaces asparagine 26 with serine.
Molecular consequence: missense variant.
Genome position (GRCh38, 1-based): chrX:78,109,878, A>G. VCF-style: chrX-78109878-A-G. GRCh37 (hg19) VCF-style: chrX-77365375-A-G.
Other names: short protein forms N26S.
Identifiers: ClinVar variation 2628996 (VCV002628996.2), dbSNP rs1045428290, ClinGen allele CA331585396.
Genomic context (GRCh38, chrX:78,109,878, plus strand): 5'-CTTTGATGGAACAGTAAGTTGATCATGGTCTTGCATCTTTCTTTTTTAGAGTCGACTTCA[A>G]TGTTCCTATGAAGAACAACCAGATAACAAACAACCAGAGGTAAGGTCCCTGCTAATCCTT-3'
Protein context (NP_000282.1, residues 16-36): GKRVVMRVDF[Asn26Ser]VPMKNNQITN

ClinVar aggregate classification (germline): Uncertain significance. Review status: criteria provided, multiple submitters, no conflicts (2 of 4 stars). 2 submissions from 2 submitters: Uncertain significance (2). Last evaluated 2023-11-27.

Conditions:
PGK1-related disorder. Also called: PGK1-related condition.
Glycogen storage disease due to phosphoglycerate kinase 1 deficiency. Also called: PHOSPHOGLYCERATE KINASE 1 DEFICIENCY WITH LEVO-DOPA-RESPONSIVE PARKINSONISM; PGK1 DEFICIENCY. Identifiers: Orphanet 713, MedGen C1970848, MONDO:0010392, OMIM 300653.

Allele frequency attached by ClinVar (database versions not stated): gnomAD exomes 0.00001.
gnomAD v4.1: 7 of 1,195,266 alleles (0.00059%); highest among the groups gnomAD compares: East Asian, 0.003%; no homozygotes.

Submissions (2):

Revvity Omics, Revvity
Classification: Uncertain significance for Glycogen storage disease due to phosphoglycerate kinase 1 deficiency. Last evaluated: 2023-11-27. Review status: criteria provided, single submitter. Criteria: ACMG Guidelines, 2015. Collection method: clinical testing. Allele origin: germline.

PreventionGenetics, part of Exact Sciences
Classification: Uncertain significance for PGK1-related condition. Last evaluated: 2023-08-07. Review status: criteria provided, single submitter. Criteria: ACMG Guidelines, 2015. Collection method: clinical testing. Allele origin: germline.
Comment: The PGK1 c.77A>G variant is predicted to result in the amino acid substitution p.Asn26Ser. This variant was reported in a patient from a limb-girdle weakness cohort (Table S4 in Töpf et al. 2020. PubMed ID: 32528171). This variant has not been reported in a large population database, indicating this variant is rare. At this time, the clinical significance of this variant is uncertain due to the absence of conclusive functional and genetic evidence.